The following is an entry in ClinVar:

NC_000022.11:g.(?_18913155)_(18936307_?)del

Genes: HSERVPRODH (human-specific endogenous retroviral insert PRODH enhancer; plus strand), PRODH (proline dehydrogenase 1; minus strand). Cytogenetic location: 22q11.21.
Variant type: Deletion.
Identifiers: ClinVar variation 459905 (VCV000459905.4).

ClinVar aggregate classification (germline): Pathogenic (1 of 4 stars; one submission).

Conditions:
Proline dehydrogenase deficiency (HYRPRO1). Also called: PROLINE OXIDASE DEFICIENCY; Hyperprolinemia type 1. Identifiers: Orphanet 419, MedGen C0268529, MONDO:0009400, OMIM 239500.

Submission:

Labcorp Genetics (formerly Invitae), Labcorp
Classification: Pathogenic for Proline dehydrogenase deficiency. Last evaluated: 2021-07-29. Review status: criteria provided, single submitter. Criteria: Invitae Variant Classification Sherloc (09022015). Collection method: clinical testing. Allele origin: germline.
Comment: A gross deletion of the genomic region encompassing the full coding sequence of the PRODH gene has been identified. The boundaries of this event are unknown as the deletion extends beyond the assayed region for this gene and therefore may encompass additional genes. This variant has been reported in a single family affected with hyperprolinemia and schizophrenia (PMID: 12217952). Loss-of-function variants in PRODH are known to be pathogenic (PMID: 12525555, 15662599). For these reasons, this variant has been classified as Pathogenic.

Literature cited by the submitters: PubMed 12217952; PubMed 12525555; PubMed 15662599.